The following is an entry in ClinVar:

ClinVar aggregate classification (germline): Uncertain significance (1 of 4 stars; one submission).

Conditions:
Inborn genetic diseases. Identifiers: MedGen C0950123, MeSH D030342.

gnomAD v4.1: 6 of 1,610,190 alleles (0.00037%); highest among the groups gnomAD compares: African/African-American, 0.0053%; no homozygotes.

Submission:

Ambry Genetics
Classification: Uncertain significance for Inborn genetic diseases. Last evaluated: 2024-11-17. Review status: criteria provided, single submitter. Criteria: Ambry Variant Classification Scheme 2023. Collection method: clinical testing. Allele origin: germline.
Comment: The p.T618I variant (also known as c.1853C>T), located in coding exon 21 of the RTEL1 gene, results from a C to T substitution at nucleotide position 1853. The threonine at codon 618 is replaced by isoleucine, an amino acid with similar properties. This amino acid position is conserved. In addition, this alteration is predicted to be tolerated by in silico analysis. Based on the available evidence, the clinical significance of this variant remains unclear.

NM_001283009.2(RTEL1):c.1853C>T (p.Thr618Ile)

Genes: RTEL1 (regulator of telomere elongation helicase 1; plus strand), RTEL1-TNFRSF6B (RTEL1-TNFRSF6B readthrough (NMD candidate); plus strand). Cytogenetic location: 20q13.33.
Variant type: single nucleotide variant.
Coding change: c.1853C>T on transcript NM_001283009.2 (MANE Select); coding-DNA position 1853, C replaced by T.
Protein change: p.Thr618Ile; replaces threonine 618 with isoleucine.
Molecular consequence: missense variant. On other transcripts: non-coding transcript variant (1).
Genome position (GRCh38, 1-based): chr20:63,689,107, C>T. VCF-style: chr20-63689107-C-T. GRCh37 (hg19) VCF-style: chr20-62320460-C-T.
Other names: c.1184C>T, p.Thr395Ile (NM_001283010.1); c.1853C>T, p.Thr618Ile (NM_016434.4); c.1925C>T, p.Thr642Ile (NM_032957.5); short protein forms T395I, T642I, T618I.
Identifiers: ClinVar variation 3435928 (VCV003435928.1).
Genomic context (GRCh38, chr20:63,689,107, plus strand): 5'-CCTTCCAGACCATCAGTGCTTACTATGCAAGGGTTGCCGCCCCTGGGTCCACCGGCGCCA[C>T]CTTCCTGGCGGTCTGCCGGGGCAAGGTGAGCTCTCCAGGGCCCTCTGCCCTGACCTGGTT-3'
Protein context (NP_001269938.1, residues 608-628): RVAAPGSTGA[Thr618Ile]FLAVCRGKAS